The following is an entry in ClinVar:

NM_000101.4(CYBA):c.139G>A (p.Val47Met)

Gene: CYBA (cytochrome b-245 alpha chain; minus strand). Cytogenetic location: 16q24.2.
Variant type: single nucleotide variant.
Coding change: c.139G>A on transcript NM_000101.4 (MANE Select); coding-DNA position 139, G replaced by A.
Protein change: p.Val47Met; replaces valine 47 with methionine.
Molecular consequence: missense variant.
Genome position (GRCh38, 1-based): chr16:88,647,165, C>T on the plus strand (G>A on the coding strand, the complement: CYBA is on the minus strand). VCF-style: chr16-88647165-C-T. GRCh37 (hg19) VCF-style: chr16-88713573-C-T.
Other names: short protein forms V47M.
Identifiers: ClinVar variation 281997 (VCV000281997.10), dbSNP rs886042280, ClinGen allele CA10604027.
Genomic context (GRCh38, chr16:88,647,165, plus strand): 5'-GCTCCATGGTGGAGCCCTTCTTCCTCTTCCCCCGGGGGTACTCCAGCAGGCACACAAACA[C>T]GCCCGCCACACTGAAGCCATGTGGTTAAGGAACAGCCCAGCTCAGCCTGAGGGGCCACAG-3'
Protein context (NP_000092.2, residues 37-57): YFGAYSIVAG[Val47Met]FVCLLEYPRG

ClinVar aggregate classification (germline): Uncertain significance. Review status: criteria provided, multiple submitters, no conflicts (2 of 4 stars). 5 submissions from 5 submitters: Uncertain significance (4). 1 of the submissions does not count toward it. Last evaluated 2021-08-27.

Conditions:
Granulomatous disease, chronic, autosomal recessive, cytochrome b-negative. Also called: GRANULOMATOUS DISEASE, CHRONIC, AUTOSOMAL RECESSIVE, 4; Chronic granulomatous disease, autosomal, due to deficiency of CYBA; CGD DUE TO DEFICIENCY OF THE ALPHA SUBUNIT OF CYTOCHROME b; CGD, AUTOSOMAL RECESSIVE CYTOCHROME b-NEGATIVE; CYBA DEFICIENCY. Identifiers: Orphanet 379, MedGen C1856255, MONDO:0009308, OMIM 233690.
Chronic granulomatous disease. Identifiers: Orphanet 379, MedGen C0018203, MONDO:0018305.

Allele frequency attached by ClinVar (database versions not stated): gnomAD exomes 0.00001.

Submissions (5):

Labcorp Genetics (formerly Invitae), Labcorp
Classification: Uncertain significance for Granulomatous disease, chronic, autosomal recessive, cytochrome b-negative. Last evaluated: 2021-08-27. Review status: criteria provided, single submitter. Criteria: Invitae Variant Classification Sherloc (09022015). Collection method: clinical testing. Allele origin: germline.
Comment: This sequence change replaces valine with methionine at codon 47 of the CYBA protein (p.Val47Met). The valine residue is highly conserved and there is a small physicochemical difference between valine and methionine. This variant is not present in population databases (ExAC no frequency). This variant has not been reported in the literature in individuals affected with CYBA-related conditions. ClinVar contains an entry for this variant (Variation ID: 281997). Algorithms developed to predict the effect of missense changes on protein structure and function are either unavailable or do not agree on the potential impact of this missense change (SIFT: "Deleterious"; PolyPhen-2: "Probably Damaging"; Align-GVGD: "Class C15"). In summary, the available evidence is currently insufficient to determine the role of this variant in disease. Therefore, it has been classified as a Variant of Uncertain Significance.

Genome-Nilou Lab
Classification: Uncertain significance for Granulomatous disease, chronic, autosomal recessive, cytochrome b-negative. Last evaluated: 2021-07-14. Review status: criteria provided, single submitter. Criteria: ACMG Guidelines, 2015. Collection method: clinical testing. Allele origin: germline. Affected: no.

Eurofins Ntd Llc (ga)
Classification: Uncertain significance. Last evaluated: 2015-08-11. Review status: criteria provided, single submitter. Criteria: EGL Classification Definitions 2015. Collection method: clinical testing. Allele origin: germline. Observed: 1 variant allele, 1 heterozygote.

Breakthrough Genomics
Classification: Uncertain significance. Review status: criteria provided, single submitter. Criteria: ACMG Guidelines, 2015. Collection method: not provided. Allele origin: germline. Inheritance: Autosomal recessive inheritance. Affected: yes.

Natera, Inc.
Classification: Uncertain significance for Chronic granulomatous disease. Last evaluated: 2019-10-28. Review status: no assertion criteria provided. Collection method: clinical testing. Allele origin: germline. Not counted in ClinVar's aggregate classification.